The following is an entry in ClinVar:

NM_004655.4(AXIN2):c.1539T>G (p.His513Gln)

Gene: AXIN2 (axin 2; minus strand). Cytogenetic location: 17q24.1.
Variant type: single nucleotide variant.
Coding change: c.1539T>G on transcript NM_004655.4 (MANE Select); coding-DNA position 1539, T replaced by G.
Protein change: p.His513Gln; replaces histidine 513 with glutamine.
Molecular consequence: missense variant.
Genome position (GRCh38, 1-based): chr17:65,537,497, A>C on the plus strand (T>G on the coding strand, the complement: AXIN2 is on the minus strand). VCF-style: chr17-65537497-A-C. GRCh37 (hg19) VCF-style: chr17-63533615-A-C.
Other names: c.1539T>G, p.His513Gln (NM_001363813.1); short protein forms H513Q.
Identifiers: ClinVar variation 2012059 (VCV002012059.4), dbSNP rs2144460041, ClinGen allele CA400677307.

ClinVar aggregate classification (germline): Uncertain significance (1 of 4 stars; one submission).

Conditions:
Oligodontia-cancer predisposition syndrome. Also called: TOOTH AGENESIS-COLORECTAL CANCER SYNDROME. Identifiers: Orphanet 300576, MedGen C1837750, MONDO:0012075, OMIM 608615. Disease mechanism: loss of function.

Submission:

Labcorp Genetics (formerly Invitae), Labcorp
Classification: Uncertain significance for Oligodontia-cancer predisposition syndrome. Last evaluated: 2022-06-30. Review status: criteria provided, single submitter. Criteria: Invitae Variant Classification Sherloc (09022015). Collection method: clinical testing. Allele origin: germline.
Comment: In summary, the available evidence is currently insufficient to determine the role of this variant in disease. Therefore, it has been classified as a Variant of Uncertain Significance. Algorithms developed to predict the effect of missense changes on protein structure and function are either unavailable or do not agree on the potential impact of this missense change (SIFT: "Tolerated"; PolyPhen-2: "Probably Damaging"; Align-GVGD: "Class C0"). This variant has not been reported in the literature in individuals affected with AXIN2-related conditions. This variant is not present in population databases (gnomAD no frequency). This sequence change replaces histidine, which is basic and polar, with glutamine, which is neutral and polar, at codon 513 of the AXIN2 protein (p.His513Gln).